The following is an entry in ClinVar:

ClinVar aggregate classification (germline): Likely benign. Review status: criteria provided, multiple submitters, no conflicts (2 of 4 stars). 3 submissions from 3 submitters: Likely benign (3). Last evaluated 2026-01-30.

Allele frequency attached by ClinVar (database versions not stated): gnomAD exomes below 0.00001; ExAC 0.00001; gnomAD 0.00004 and 0.00005; TOPMed 0.00009.

Submissions (3):

Labcorp Genetics (formerly Invitae), Labcorp
Classification: Likely benign. Last evaluated: 2026-01-30. Review status: criteria provided, single submitter. Criteria: Invitae Variant Classification Sherloc (09022015). Collection method: clinical testing. Allele origin: germline.

Women's Health and Genetics/Laboratory Corporation of America, LabCorp
Classification: Likely benign. Last evaluated: 2025-01-08. Review status: criteria provided, single submitter. Criteria: LabCorp Variant Classification Summary - May 2015. Collection method: clinical testing. Allele origin: germline.
Comment: Variant summary: LZTR1 c.1785+19G>A alters a nucleotide located at a position not widely known to affect splicing. Consensus agreement among computation tools predict no significant impact on normal splicing. However, these predictions have yet to be confirmed by functional studies. The variant allele was found at a frequency of 4e-06 in 247210 control chromosomes. The available data on variant occurrences in the general population are insufficient to allow any conclusion about variant significance. To our knowledge, no occurrence of c.1785+19G>A in individuals affected with Noonan Syndrome And Related Conditions and no experimental evidence demonstrating its impact on protein function have been reported. ClinVar contains an entry for this variant (Variation ID: 928714). Based on the evidence outlined above, the variant was classified as likely benign.

Blueprint Genetics
Classification: Likely benign. Last evaluated: 2024-09-09. Review status: criteria provided, single submitter. Criteria: ACMG Guidelines, 2015. Collection method: clinical testing. Allele origin: germline.

NM_006767.4(LZTR1):c.1785+19G>A

Gene: LZTR1 (leucine zipper like post translational regulator 1; plus strand). Cytogenetic location: 22q11.21.
Variant type: single nucleotide variant.
Coding change: c.1785+19G>A on transcript NM_006767.4 (MANE Select); 19 bases into the intron after coding-DNA position 1785, G replaced by A.
Molecular consequence: intron variant.
Genome position (GRCh38, 1-based): chr22:20,994,746, G>A. VCF-style: chr22-20994746-G-A. GRCh37 (hg19) VCF-style: chr22-21349035-G-A.
Identifiers: ClinVar variation 928714 (VCV000928714.11), dbSNP rs777075178, ClinGen allele CA10119058.